The following is an entry in ClinVar:

ClinVar aggregate classification (germline): Likely benign. Review status: criteria provided, multiple submitters, no conflicts (2 of 4 stars). 2 submissions from 2 submitters: Likely benign (2). Last evaluated 2025-05-01.

Conditions:
Landau-Kleffner syndrome (FESD). Also called: EPILEPSY, FOCAL, WITH SPEECH DISORDER AND WITH OR WITHOUT MENTAL RETARDATION; APHASIA, ACQUIRED, WITH EPILEPSY. Identifiers: Orphanet 1945, Orphanet 725, Orphanet 98818, MedGen C0282512, MONDO:0009509, OMIM 245570.

Allele frequency attached by ClinVar (database versions not stated): TOPMed 0.00001.
gnomAD v4.1: 3 of 1,507,034 alleles (0.0002%); highest among the groups gnomAD compares: Admixed American, 0.0017%; no homozygotes.

Submissions (2):

Labcorp Genetics (formerly Invitae), Labcorp
Classification: Likely benign for Landau-Kleffner syndrome. Last evaluated: 2025-05-01. Review status: criteria provided, single submitter. Criteria: Invitae Variant Classification Sherloc (09022015). Collection method: clinical testing. Allele origin: germline.

GeneDx
Classification: Likely benign. Last evaluated: 2018-01-24. Review status: criteria provided, single submitter. Criteria: GeneDx Variant Classification (06012015). Collection method: clinical testing. Allele origin: germline. Affected: yes.
Comment: This variant is considered likely benign or benign based on one or more of the following criteria: it is a conservative change, it occurs at a poorly conserved position in the protein, it is predicted to be benign by multiple in silico algorithms, and/or has population frequency not consistent with disease.

NM_001134407.3(GRIN2A):c.1008-14C>T

Gene: GRIN2A (glutamate ionotropic receptor NMDA type subunit 2A; minus strand). Cytogenetic location: 16p13.2.
Variant type: single nucleotide variant.
Coding change: c.1008-14C>T on transcript NM_001134407.3 (MANE Select); 14 bases into the intron before coding-DNA position 1008, C replaced by T.
Molecular consequence: intron variant.
Genome position (GRCh38, 1-based): chr16:9,891,114, G>A on the plus strand (C>T on the coding strand, the complement: GRIN2A is on the minus strand). VCF-style: chr16-9891114-G-A. GRCh37 (hg19) VCF-style: chr16-9984971-G-A.
Other names: c.1008-14C>T (NM_001134408.2, NM_000833.5).
Identifiers: ClinVar variation 514994 (VCV000514994.4), dbSNP rs776960433, ClinGen allele CA620955335.